The following is an entry in ClinVar:

Conditions:
Breast-ovarian cancer, familial, susceptibility to, 1 (BROVCA1). Also called: BRCA1 Hereditary Breast and Ovarian Cancer; OVARIAN CANCER, SUSCEPTIBILITY TO. Identifiers: Orphanet 145, MedGen C2676676, MONDO:0011450, OMIM 604370. Disease mechanism: loss of function.

Submission:

Brotman Baty Institute, University of Washington
No classification provided (evidence only). Condition: Breast-ovarian cancer, familial 1. Review status: no classification provided. Collection method: in vitro. Allele origin: not applicable. Functional consequence: functionally_normal.
ClinVar note: "not provided" was previously submitted as the classification for the variant. However, the classification appeared to be based only on an observation of functional data so it was converted to no classification on 2025-07-30.

NM_007294.4(BRCA1):c.86A>C (p.Glu29Ala)

Gene: BRCA1 (BRCA1 DNA repair associated; minus strand). Cytogenetic location: 17q21.31.
Variant type: single nucleotide variant.
Coding change: c.86A>C on transcript NM_007294.4 (MANE Select); coding-DNA position 86, A replaced by C.
Protein change: p.Glu29Ala; replaces glutamic acid 29 with alanine.
Molecular consequence: missense variant. On other transcripts: non-coding transcript variant (1), intron variant (1).
Genome position (GRCh38, 1-based): chr17:43,115,774, T>G on the plus strand (A>C on the coding strand, the complement: BRCA1 is on the minus strand). VCF-style: chr17-43115774-T-G. GRCh37 (hg19) VCF-style: chr17-41267791-T-G.
Other names: c.86A>C, p.Glu29Ala (NM_001407984.1, NM_001407985.1, NM_001407986.1 and 192 more transcripts); c.-56A>C (NM_001408410.1, NM_001408452.1, NM_001408453.1 and 47 more transcripts); c.-172A>C (NM_001408455.1, NM_001408456.1, NM_001408468.1 and 13 more transcripts); c.-176A>C (NM_001408465.1, NM_001407695.1); c.-103A>C (NM_001408478.1, NM_001408479.1, NM_001408480.1 and 52 more transcripts); c.-219A>C (NM_001408492.1, NM_001407889.1, NM_001407900.1); c.-218A>C (NM_001408510.1, NM_001408512.1, NM_001407960.1 and 1 more transcripts); c.-8+8243A>C (NM_007297.4); and 2 more; short protein forms E29A.
Identifiers: ClinVar variation 868124 (VCV000868124.3), dbSNP rs773841328, ClinGen allele CA10601983.